The following is an entry in ClinVar:

ClinVar aggregate classification (germline): Likely pathogenic. Review status: reviewed by expert panel (3 of 4 stars). 5 submissions from 5 submitters: Likely pathogenic (1). 4 of the submissions do not count toward it. Last evaluated 2019-05-04.

Conditions:
Phenylketonuria (PKU). Also called: Phenylketonuria (PKU); Phenylketonurias; OLIGOPHRENIA PHENYLPYRUVICA; FOLLING DISEASE. Identifiers: Orphanet 716, MedGen C0031485, MONDO:0009861, OMIM 261600. Disease mechanism: loss of function.

Submissions (5):

ClinGen PAH Variant Curation Expert Panel
Classification: Likely pathogenic for Phenylketonuria. Last evaluated: 2019-05-04. Review status: reviewed by expert panel. Criteria: ClinGen PAH ACMG Specifications v1. Collection method: curation. Allele origin: germline. Inheritance: Autosomal recessive inheritance.
Comment: The c.1092_1094delTCT variant in PAH has been previously reported as a single variant, found in trans with the Pathogenic variant (per internal PAH ClinGen Working Group classification, see ClinVar allele ID 15635) p.Gly272Ter in one proband with classic PKU (PMID: 1975559); phase was confirmed via parental testing (PM3). Apart from stating that the proband was identified via newborn screening further detail is provided regarding the proband's phenotype, including whether BH4 deficiency was formally excluded (PP4?). The variant is a protein-length changing variant in a non-repeat region (PM4). It is absent from control databases including ethnically matched individuals, including gnomAD/ExAC, 1000 Genomes, and ESP (PM2).

Natera, Inc.
Classification: Likely pathogenic for Phenylketonuria. Last evaluated: 2025-02-27. Review status: criteria provided, single submitter. Criteria: Natera Variant Classification Schema (03/2026). Collection method: clinical testing. Allele origin: germline. Not counted in ClinVar's aggregate classification.
Comment: The c.1092_1094delTCT variant in PAH is an in-frame deletion predicted to remove leucine at amino acid 365 while preserving the reading frame. This variant is rare in the general population with a frequency below the threshold expected for the associated phenotype(s). This variant has been observed in one or more individuals affected with the associated recessive disease, as either homozygous or compound heterozygous with a second variant (PMID: 32668217, 1975559). This variant results in a change to the protein length while preserving reading frame, which may disrupt normal protein structure or function. Given the available evidence, this variant is classified as Likely Pathogenic.

Cellular and Molecular Research Center, Cellular and Molecular Medicine Research Institute,, Urmia University of Medical Sciences
Classification: Likely pathogenic for Phenylketonuria. Last evaluated: 2023-09-19. Review status: criteria provided, single submitter. Criteria: Zastrow et al. (Hum Mutat. 2018). Collection method: clinical testing. Allele origin: inherited. Inheritance: Autosomal recessive inheritance. Affected: yes. Not counted in ClinVar's aggregate classification.

OMIM
Classification: Pathogenic for PHENYLKETONURIA. Last evaluated: 1990-08-01. Review status: no assertion criteria provided. Collection method: literature only. Allele origin: germline. Not counted in ClinVar's aggregate classification.

DeBelle Laboratory for Biochemical Genetics, MUHC/MCH RESEARCH INSTITUTE
No classification provided. Review status: no classification provided. Collection method: not provided. Allele origin: not provided. Not counted in ClinVar's aggregate classification.

Literature cited by the submitters: PubMed 1975559 (cited by 3 submitters); PubMed 32668217 (cited by Natera, Inc.); PubMed 26351554 (cited by Cellular and Molecular Research Center, Cellular and Molecular Medicine Research Institute,, Urmia University of Medical Sciences).

NM_000277.3(PAH):c.1092_1094del (p.Leu365del)

Gene: PAH (phenylalanine hydroxylase; minus strand). Cytogenetic location: 12q23.2.
Variant type: Deletion.
Coding change: c.1092_1094del on transcript NM_000277.3 (MANE Select); coding-DNA positions 1092 to 1094, 3 bases deleted (TCT; older notation c.1092_1094delTCT).
Protein change: p.Leu365del; deletes leucine 365.
Molecular consequence: inframe deletion.
Genome position (GRCh38, 1-based): chr12:102,843,751-102,843,753, AGA deleted on the plus strand (TCT on the coding strand, the reverse complement: PAH is on the minus strand); deleting any 3 consecutive bases within chr12:102,843,751-102,843,755 gives the same sequence; the c. name uses the placement nearest the transcript's 3' end. VCF-style (leftmost placement, unchanged base first): chr12-102843750-GAGA-G. GRCh37 (hg19) VCF-style: chr12-103237528-GAGA-G.
Other names: c.1090_1092delCTT (NM_000277.1); c.1092_1094del, p.Leu365del (NM_001354304.2); c.1092_1094delTCT (NM_000277.2); short protein forms L365del.
Identifiers: ClinVar variation 597 (VCV000000597.85), dbSNP rs62516096, ClinGen allele CA229337.